The following is an entry in ClinVar:

NM_024996.7(GFM1):c.1193T>C (p.Leu398Pro)

Gene: GFM1 (G elongation factor mitochondrial 1; plus strand). Cytogenetic location: 3q25.32.
Variant type: single nucleotide variant.
Coding change: c.1193T>C on transcript NM_024996.7 (MANE Select); coding-DNA position 1193, T replaced by C.
Protein change: p.Leu398Pro; replaces leucine 398 with proline.
Molecular consequence: missense variant. On other transcripts: non-coding transcript variant (4), intron variant (1).
Genome position (GRCh38, 1-based): chr3:158,659,031, T>C. VCF-style: chr3-158659031-T-C. GRCh37 (hg19) VCF-style: chr3-158376820-T-C.
Other names: c.1250T>C, p.Leu417Pro (NM_001308164.2); c.1193T>C, p.Leu398Pro (NM_001308166.2); c.1076T>C, p.Leu359Pro (NM_001374356.1); c.968T>C, p.Leu323Pro (NM_001374357.1); c.734T>C, p.Leu245Pro (NM_001374358.1); c.626T>C, p.Leu209Pro (NM_001374359.1, NM_001374360.1); c.509T>C, p.Leu170Pro (NM_001374361.1); c.1141-1843T>C (NM_001374355.1); short protein forms L170P, L209P, L245P, L323P, L359P, L398P, L417P.
Identifiers: ClinVar variation 2675895 (VCV002675895.5), dbSNP rs2473986037, ClinGen allele CA355177723.

ClinVar aggregate classification (germline): Conflicting classifications of pathogenicity. Review status: criteria provided, conflicting classifications (1 of 4 stars). 2 submissions from 2 submitters: Likely pathogenic (1); Uncertain significance (1). Last evaluated 2024-04-17.

Conditions:
Hepatoencephalopathy due to combined oxidative phosphorylation defect type 1. Also called: HEPATOENCEPHALOPATHY, EARLY FATAL PROGRESSIVE. Identifiers: Orphanet 137681, MedGen C1836797, MONDO:0012191, OMIM 609060.

Submissions (2):

Fulgent Genetics
Classification: Likely pathogenic for Hepatoencephalopathy due to combined oxidative phosphorylation defect type 1. Last evaluated: 2024-04-17. Review status: criteria provided, single submitter. Criteria: ACMG Guidelines, 2015. Collection method: clinical testing. Allele origin: germline.

Women's Health and Genetics/Laboratory Corporation of America, LabCorp
Classification: Uncertain significance. Last evaluated: 2024-04-12. Review status: criteria provided, single submitter. Criteria: LabCorp Variant Classification Summary - May 2015. Collection method: clinical testing. Allele origin: germline.
Comment: Variant summary: GFM1 c.1193T>C (p.Leu398Pro) results in a non-conservative amino acid change in the encoded protein sequence. Five of five in-silico tools predict a damaging effect of the variant on protein function. The variant was absent in 251390 control chromosomes (gnomAD). c.1193T>C has been reported in the literature in a homozygous individual affected with Combined Oxidative Phosphorylation Deficiency 1 (Galmiche_2012). These data indicate that the variant may be associated with disease. To our knowledge, no experimental evidence demonstrating an impact on protein function has been reported. ClinVar contains an entry for this variant (Variation ID: 2675895). Based on the evidence outlined above, the variant was classified as VUS-possibly pathogenic.

Literature cited by the submitters: PubMed 21986555 (cited by Women's Health and Genetics/Laboratory Corporation of America, LabCorp).